The following is an entry in ClinVar:

NM_005052.3(RAC3):c.134TGG[1] (p.Val46del)

Gene: RAC3 (Rac family small GTPase 3; plus strand). Cytogenetic location: 17q25.3.
Variant type: Microsatellite.
Coding change: c.134TGG[1] on transcript NM_005052.3 (MANE Select); one copy of the 3-base unit TGG starting at c.134; the reference has two copies in a row; one copy, 3 bases deleted; also written c.137_139del.
Protein change: p.Val46del; deletes valine 46.
Molecular consequence: inframe deletion.
Genome position (GRCh38, 1-based): chr17:82,032,740-82,032,742, TGG deleted; deleting any 3 consecutive bases within chr17:82,032,737-82,032,742 gives the same sequence; the position shown is the placement nearest the transcript's 3' end. VCF-style (leftmost placement, unchanged base first): chr17-82032736-ATGG-A. GRCh37 (hg19) VCF-style: chr17-79990612-ATGG-A.
Other names: c.134TGG[1], p.Val46del (NM_001316307.2); c.137_139del (NM_005052.3); short protein forms V46del.
Identifiers: ClinVar variation 1687595 (VCV001687595.1), dbSNP rs2144158228, ClinGen allele CA2580613262.

ClinVar aggregate classification (germline): Uncertain significance (1 of 4 stars; one submission).

Conditions:
Neurodevelopmental disorder with structural brain anomalies and dysmorphic facies (NEDBAF). Identifiers: Orphanet 659609, MedGen C5231416, MONDO:0032820, OMIM 618577.

Submission:

3billion
Classification: Uncertain significance for Neurodevelopmental disorder with structural brain anomalies and dysmorphic facies. Last evaluated: 2022-05-22. Review status: criteria provided, single submitter. Criteria: ACMG Guidelines, 2015. Collection method: clinical testing. Allele origin: germline. Affected: yes. Observed: 1 heterozygote.
Comment: The variant is not observed in the gnomAD v2.1.1 dataset. Inframe deletion located in a nonrepeat region: predicted to change the length of the protein and disrupt normal protein function. Therefore, this variant is classified as uncertain significanceaccording to the recommendation of ACMG/AMP guideline.